The following is an entry in ClinVar:

NM_001164508.2(NEB):c.14934T>C (p.Asp4978=)

Gene: NEB (nebulin; minus strand). Cytogenetic location: 2q23.3.
Variant type: single nucleotide variant.
Coding change: c.14934T>C on transcript NM_001164508.2 (MANE Select); coding-DNA position 14934, T replaced by C.
Protein change: p.Asp4978=; no amino-acid change (aspartic acid 4978 retained).
Molecular consequence: synonymous variant. On other transcripts: intron variant (1).
Genome position (GRCh38, 1-based): chr2:151,591,348, A>G on the plus strand (T>C on the coding strand, the complement: NEB is on the minus strand). VCF-style: chr2-151591348-A-G. GRCh37 (hg19) VCF-style: chr2-152447862-A-G.
Other names: c.14934T>C, p.Asp4978= (NM_001164507.2, NM_001271208.2); c.11602-14994T>C (NM_004543.5).
Identifiers: ClinVar variation 257750 (VCV000257750.2), dbSNP rs886038443, ClinGen allele CA10586763.

ClinVar aggregate classification (germline): Likely benign. Review status: criteria provided, multiple submitters, no conflicts (2 of 4 stars). 2 submissions from 2 submitters: Likely benign (2). Last evaluated 2018-01-03.

Submissions (2):

GeneDx
Classification: Likely benign. Last evaluated: 2018-01-03. Review status: criteria provided, single submitter. Criteria: GeneDx Variant Classification (06012015). Collection method: clinical testing. Allele origin: germline. Affected: yes.
Comment: This variant is considered likely benign or benign based on one or more of the following criteria: it is a conservative change, it occurs at a poorly conserved position in the protein, it is predicted to be benign by multiple in silico algorithms, and/or has population frequency not consistent with disease.

PreventionGenetics, part of Exact Sciences
Classification: Likely benign. Review status: criteria provided, single submitter. Criteria: ACMG Guidelines, 2015. Collection method: clinical testing. Allele origin: germline.